The following is an entry in ClinVar:

ClinVar aggregate classification (germline): Uncertain significance. Review status: criteria provided, multiple submitters, no conflicts (2 of 4 stars). 2 submissions from 2 submitters: Uncertain significance (2). Last evaluated 2024-08-12.

Conditions:
Inborn genetic diseases. Identifiers: MedGen C0950123, MeSH D030342.

Allele frequency attached by ClinVar (database versions not stated): gnomAD exomes below 0.00001.
gnomAD v4.1: 1 of 1,614,126 alleles (0.000062%); highest among the groups gnomAD compares: East Asian, 0.0022%; no homozygotes.

Submissions (2):

Ambry Genetics
Classification: Uncertain significance for Inborn genetic diseases. Last evaluated: 2024-08-12. Review status: criteria provided, single submitter. Criteria: Ambry Variant Classification Scheme 2023. Collection method: clinical testing. Allele origin: germline.

Labcorp Genetics (formerly Invitae), Labcorp
Classification: Uncertain significance. Last evaluated: 2022-09-21. Review status: criteria provided, single submitter. Criteria: Invitae Variant Classification Sherloc (09022015). Collection method: clinical testing. Allele origin: germline.
Comment: In summary, the available evidence is currently insufficient to determine the role of this variant in disease. Therefore, it has been classified as a Variant of Uncertain Significance. Advanced modeling of protein sequence and biophysical properties (such as structural, functional, and spatial information, amino acid conservation, physicochemical variation, residue mobility, and thermodynamic stability) performed at Invitae indicates that this missense variant is expected to disrupt ERCC3 protein function. This variant has not been reported in the literature in individuals affected with ERCC3-related conditions. This variant is not present in population databases (gnomAD no frequency). This sequence change replaces valine, which is neutral and non-polar, with isoleucine, which is neutral and non-polar, at codon 339 of the ERCC3 protein (p.Val339Ile).

NM_000122.2(ERCC3):c.1015G>A (p.Val339Ile)

Gene: ERCC3 (ERCC excision repair 3, TFIIH core complex helicase subunit; minus strand). Cytogenetic location: 2q14.3.
Variant type: single nucleotide variant.
Coding change: c.1015G>A on transcript NM_000122.2 (MANE Select); coding-DNA position 1015, G replaced by A.
Protein change: p.Val339Ile; replaces valine 339 with isoleucine.
Molecular consequence: missense variant.
Genome position (GRCh38, 1-based): chr2:127,288,672, C>T on the plus strand (G>A on the coding strand, the complement: ERCC3 is on the minus strand). VCF-style: chr2-127288672-C-T. GRCh37 (hg19) VCF-style: chr2-128046248-C-T.
Other names: c.823G>A, p.Val275Ile (NM_001303416.2, NM_001303418.2); short protein forms V275I, V339I.
Identifiers: ClinVar variation 1955806 (VCV001955806.6), dbSNP rs1558961958, ClinGen allele CA348390191.